The following is an entry in ClinVar:

ClinVar aggregate classification (germline): Uncertain significance (1 of 4 stars; one submission).

Allele frequency attached by ClinVar (database versions not stated): ExAC 0.00002; TOPMed 0.00003; gnomAD 0.00007.
gnomAD v4.1: 34 of 1,613,718 alleles (0.0021%); highest among the groups gnomAD compares: African/African-American, 0.0067%; no homozygotes.

Submission:

Labcorp Genetics (formerly Invitae), Labcorp
Classification: Uncertain significance. Last evaluated: 2024-05-25. Review status: criteria provided, single submitter. Criteria: Invitae Variant Classification Sherloc (09022015). Collection method: clinical testing. Allele origin: germline.
Comment: This sequence change replaces arginine, which is basic and polar, with glutamine, which is neutral and polar, at codon 2068 of the CACNA1D protein (p.Arg2068Gln). This variant is present in population databases (rs752571686, gnomAD 0.005%). This variant has not been reported in the literature in individuals affected with CACNA1D-related conditions. An algorithm developed to predict the effect of missense changes on protein structure and function (PolyPhen-2) suggests that this variant is likely to be tolerated. In summary, the available evidence is currently insufficient to determine the role of this variant in disease. Therefore, it has been classified as a Variant of Uncertain Significance.

NM_001128840.3(CACNA1D):c.6143G>A (p.Arg2048Gln)

Gene: CACNA1D (calcium voltage-gated channel subunit alpha1 D; plus strand). Cytogenetic location: 3p21.1.
Variant type: single nucleotide variant.
Coding change: c.6143G>A on transcript NM_001128840.3 (MANE Select); coding-DNA position 6143, G replaced by A.
Protein change: p.Arg2048Gln; replaces arginine 2048 with glutamine.
Molecular consequence: missense variant.
Genome position (GRCh38, 1-based): chr3:53,810,249, G>A. VCF-style: chr3-53810249-G-A. GRCh37 (hg19) VCF-style: chr3-53844276-G-A.
Other names: c.6203G>A, p.Arg2068Gln (NM_000720.4); c.6071G>A, p.Arg2024Gln (NM_001128839.3); short protein forms R2024Q, R2048Q, R2068Q.
Identifiers: ClinVar variation 2989794 (VCV002989794.3), dbSNP rs752571686, ClinGen allele CA2455372.
Genomic context (GRCh38, chr3:53,810,249, plus strand): 5'-AGCCCGACATCTCCTACCGGACTTTCACACCAGCCAGCCTGACTGTCCCCAGCAGCTTCC[G>A]GAACAAAAACAGCGACAAGCAGAGGAGTGCGGACAGCTTGGTGGAGGCAGTGAGTACGGT-3'
Protein context (NP_001122312.1, residues 2038-2058): PASLTVPSSF[Arg2048Gln]NKNSDKQRSA